The following is an entry in ClinVar:

NM_003319.4(TTN):c.63583dup (p.Tyr21195fs)

Genes: TTN (titin; minus strand), TTN-AS1 (TTN antisense RNA 1; plus strand). Cytogenetic location: 2q31.2.
Variant type: Duplication.
Coding change: c.63583dup on transcript NM_003319.4; coding-DNA position 63583, one base duplicated (T; older notation c.63583dupT).
Protein change: p.Tyr21195fs; shifts the reading frame from tyrosine 21195.
Molecular consequence: frameshift variant (on NM_133378.4).
Genome position (GRCh38, 1-based): chr2:178,552,122, A duplicated on the plus strand (T on the coding strand, the reverse complement: TTN is on the minus strand); the first of 2 consecutive A bases (chr2:178,552,122-178,552,123); duplicating either gives the same sequence. VCF-style (leftmost placement, unchanged base first): chr2-178552121-T-TA. GRCh37 (hg19) VCF-style: chr2-179416848-T-TA.
Other names: NM_133378.4:c.83074dupT; p.Tyr27692LeufsX12; c.83074_83075insT (NM_133378.4); c.85855dup, p.Tyr28619fs (NM_001256850.1); c.90778dup, p.Tyr30260fs (NM_001267550.2); c.83074dup, p.Tyr27692fs (NM_133378.4); c.63958dup, p.Tyr21320fs (NM_133432.3); c.64159dup, p.Tyr21387fs (NM_133437.4); and 1 more; short protein forms Y27692fs, Y21320fs, Y28619fs, Y21195fs, Y21387fs, Y30260fs.
Identifiers: ClinVar variation 47500 (VCV000047500.6), dbSNP rs397517750, ClinGen allele CA261916.
Genomic context (GRCh38, chr2:178,552,121, plus strand): 5'-GCAACACTTGAACACACCATCTTCCAGTTAGTTTGTGAAGTTTCCCGCTTCTCGATGCTG[T>TA]AACAAGTAATTTCTCCTCCTCCATTATCTTCAGGTACATCCCATGACAGGATGACACTAT-3'

ClinVar aggregate classification (germline): Likely pathogenic. Review status: criteria provided, multiple submitters, no conflicts (2 of 4 stars). 2 submissions from 2 submitters: Likely pathogenic (2). Last evaluated 2026-05-12.

Conditions:
Cardiovascular phenotype. Identifiers: MedGen CN230736.
Primary dilated cardiomyopathy (DCM). Also called: Dilated Cardiomyopathy. Identifiers: Orphanet 217604, MedGen C0007193, MeSH D002311, MONDO:0005021, HP:0001644. Inheritance: Various modes of inheritance.

Submissions (2):

Ambry Genetics
Classification: Likely pathogenic for Cardiovascular phenotype. Last evaluated: 2026-05-12. Review status: criteria provided, single submitter. Criteria: Ambry Variant Classification Scheme 2023. Collection method: clinical testing. Allele origin: germline.
Comment: The c.63583dupT variant, located in coding exon 162 of the TTN gene, results from a duplication of T at nucleotide position 63583, causing a translational frameshift with a predicted alternate stop codon (p.Y21195Lfs*12). This exon is located in the A-band region of the N2-B isoform of the titin protein and is constitutively expressed in TTN transcripts (percent spliced in or PSI 100%). This variant was reported in individual(s) with features consistent with TTN-related dilated cardiomyopathy (Kim Y et al. Circ Genom Precis Med, 2023 Oct;16:452-461). This variant is expected to result in loss of function by premature protein truncation or nonsense-mediated mRNA decay. While truncating variants in TTN are present in 1-3% of the general population, truncating variants in the A-band are the most common cause of dilated cardiomyopathy (Herman DS et al. N. Engl. J. Med., 2012 Feb;366:619-28; Roberts AM et al. Sci Transl Med, 2015 Jan;7:270ra6). TTN truncating variants encoded in constitutive exons (PSI >90%) have been found to be significantly associated with DCM regardless of their position in titin (Schafer S et al. Nat. Genet., 2017 01;49:46-53; Akhtar MM et al. Circ Heart Fail, 2020 Oct;13:e006832; Massier M et al. Clin Genet, 2025 Jan). This variant is considered to be rare based on population cohorts in the Genome Aggregation Database (gnomAD). Based on the majority of available evidence to date, this variant is likely to be pathogenic.

Laboratory for Molecular Medicine, Mass General Brigham Personalized Medicine
Classification: Likely pathogenic for Primary dilated cardiomyopathy. Last evaluated: 2015-04-08. Review status: criteria provided, single submitter. Criteria: LMM Criteria. Collection method: clinical testing. Allele origin: germline. Inheritance: Autosomal dominant inheritance. Observed: 1 variant allele.
Comment: This va riant is predicted to cause a frameshift, which alters the protein?s amino acid sequence beginning at position 27692 and leads to a premature termination codon 12 amino acids downstream. This alteration is then predicted to lead to a trunca ted or absent protein. Frameshift and other truncating variants in TTN are stron gly associated with DCM, particularly if they are located in the exons encoding for the A-band region of the protein (Herman 2012, Pugh 2014), where this varian t is located. In summary, although additional studies are required to fully esta blish its clinical significance, the p.Tyr27692fs variant is likely pathogenic.

Literature cited by the submitters: PubMed 37767697 (cited by Ambry Genetics); PubMed 22335739 (cited by Laboratory for Molecular Medicine, Mass General Brigham Personalized Medicine).